The following is an entry in ClinVar:

ClinVar aggregate classification (germline): Uncertain significance. Review status: criteria provided, multiple submitters, no conflicts (2 of 4 stars). 2 submissions from 2 submitters: Uncertain significance (2). Last evaluated 2024-08-28.

Conditions:
Inborn genetic diseases. Identifiers: MedGen C0950123, MeSH D030342.

Allele frequency attached by ClinVar (database versions not stated): gnomAD exomes 0.00008; gnomAD 0.00012 and 0.00013; TOPMed 0.00015; 1000 Genomes Project 30x 0.00016; 1000 Genomes Project 0.00020.

Submissions (2):

Ambry Genetics
Classification: Uncertain significance for Inborn genetic diseases. Last evaluated: 2024-08-28. Review status: criteria provided, single submitter. Criteria: Ambry Variant Classification Scheme 2023. Collection method: clinical testing. Allele origin: germline.

Labcorp Genetics (formerly Invitae), Labcorp
Classification: Uncertain significance. Last evaluated: 2021-03-16. Review status: criteria provided, single submitter. Criteria: Invitae Variant Classification Sherloc (09022015). Collection method: clinical testing. Allele origin: germline.
Comment: In summary, the available evidence is currently insufficient to determine the role of this variant in disease. Therefore, it has been classified as a Variant of Uncertain Significance. This sequence change replaces arginine with glutamine at codon 11 of the SLC9A3 protein (p.Arg11Gln). The arginine residue is weakly conserved and there is a small physicochemical difference between arginine and glutamine. The frequency data for this variant in the population databases is considered unreliable, as metrics indicate poor data quality at this position in the ExAC database. This variant has not been reported in the literature in individuals with SLC9A3-related conditions. Experimental studies and prediction algorithms are not available or were not evaluated, and the functional significance of this variant is currently unknown.

NM_004174.4(SLC9A3):c.32G>A (p.Arg11Gln)

Gene: SLC9A3 (solute carrier family 9 member A3). Cytogenetic location: 5p15.33.
Variant type: single nucleotide variant.
Coding change: c.32G>A on transcript NM_004174.4 (MANE Select); coding-DNA position 32, G replaced by A.
Protein change: p.Arg11Gln; replaces arginine 11 with glutamine.
Molecular consequence: missense variant.
Genome position (GRCh38, 1-based): chr5:524,291, C>T on the plus strand (G>A on the coding strand, the complement: SLC9A3 is on the minus strand). VCF-style: chr5-524291-C-T. GRCh37 (hg19) VCF-style: chr5-524406-C-T.
Other names: c.32G>A, p.Arg11Gln (NM_001284351.3); c.32G>A (NM_004174.2); short protein forms R11Q.
Identifiers: ClinVar variation 1404020 (VCV001404020.9), dbSNP rs557874732, ClinGen allele CA3176426.